The following is an entry in ClinVar:

NM_206933.4(USH2A):c.5620G>A (p.Val1874Ile)

Genes: USH2A (usherin; minus strand), USH2A-AS2 (USH2A antisense RNA 2; plus strand). Cytogenetic location: 1q41.
Variant type: single nucleotide variant.
Coding change: c.5620G>A on transcript NM_206933.4 (MANE Select); coding-DNA position 5620, G replaced by A.
Protein change: p.Val1874Ile; replaces valine 1874 with isoleucine.
Molecular consequence: missense variant.
Genome position (GRCh38, 1-based): chr1:216,073,253, C>T on the plus strand (G>A on the coding strand, the complement: USH2A is on the minus strand). VCF-style: chr1-216073253-C-T. GRCh37 (hg19) VCF-style: chr1-216246595-C-T.
Other names: c.5620G>A (NM_206933.2); short protein forms V1874I.
Identifiers: ClinVar variation 2154712 (VCV002154712.4), dbSNP rs200923150, ClinGen allele CA1395398.

ClinVar aggregate classification (germline): Uncertain significance. Review status: criteria provided, multiple submitters, no conflicts (2 of 4 stars). 3 submissions from 3 submitters: Uncertain significance (3). Last evaluated 2025-06-17.

Conditions:
Inborn genetic diseases. Identifiers: MedGen C0950123, MeSH D030342.

Allele frequency attached by ClinVar (database versions not stated): TOPMed 0.00002; 1000 Genomes Project 30x 0.00016.
gnomAD v4.1: 63 of 1,613,808 alleles (0.0039%); highest among the groups gnomAD compares: Non-Finnish European, 0.0048%; no homozygotes.

Submissions (3):

Ambry Genetics
Classification: Uncertain significance for Inborn genetic diseases. Last evaluated: 2025-06-17. Review status: criteria provided, single submitter. Criteria: Ambry Variant Classification Scheme 2023. Collection method: clinical testing. Allele origin: germline.

Labcorp Genetics (formerly Invitae), Labcorp
Classification: Uncertain significance. Last evaluated: 2025-06-16. Review status: criteria provided, single submitter. Criteria: Invitae Variant Classification Sherloc (09022015). Collection method: clinical testing. Allele origin: germline.
Comment: This sequence change replaces valine, which is neutral and non-polar, with isoleucine, which is neutral and non-polar, at codon 1874 of the USH2A protein (p.Val1874Ile). This variant is present in population databases (rs200923150, gnomAD 0.006%). This variant has not been reported in the literature in individuals affected with USH2A-related conditions. ClinVar contains an entry for this variant (Variation ID: 2154712). Invitae Evidence Modeling of protein sequence and biophysical properties (such as structural, functional, and spatial information, amino acid conservation, physicochemical variation, residue mobility, and thermodynamic stability) indicates that this missense variant is not expected to disrupt USH2A protein function with a negative predictive value of 95%. In summary, the available evidence is currently insufficient to determine the role of this variant in disease. Therefore, it has been classified as a Variant of Uncertain Significance.

Blueprint Genetics
Classification: Uncertain significance. Last evaluated: 2020-07-28. Review status: criteria provided, single submitter. Criteria: ACMG Guidelines, 2015. Collection method: clinical testing. Allele origin: germline.